The following is an entry in ClinVar:

ClinVar aggregate classification (germline): Uncertain significance (1 of 4 stars; one submission).

Conditions:
Cardiovascular phenotype. Identifiers: MedGen CN230736.

gnomAD v4.1: 16 of 1,610,072 alleles (0.00099%); highest among the groups gnomAD compares: South Asian, 0.0022%; no homozygotes.

Submission:

Ambry Genetics
Classification: Uncertain significance for Cardiovascular phenotype. Last evaluated: 2026-03-01. Review status: criteria provided, single submitter. Criteria: Ambry Variant Classification Scheme 2023. Collection method: clinical testing. Allele origin: germline.
Comment: The p.D1547Y variant (also known as c.4639G>T), located in coding exon 11 of the TNXB gene, results from a G to T substitution at nucleotide position 4639. The aspartic acid at codon 1547 is replaced by tyrosine, an amino acid with highly dissimilar properties. This amino acid position is conserved. In addition, this alteration is predicted to be tolerated by in silico analysis. Based on the available evidence, the clinical significance of this variant remains unclear.

NM_001365276.2(TNXB):c.4639G>T (p.Asp1547Tyr)

Gene: TNXB (tenascin XB; minus strand). Cytogenetic location: 6p21.33.
Variant type: single nucleotide variant.
Coding change: c.4639G>T on transcript NM_001365276.2 (MANE Select); coding-DNA position 4639, G replaced by T.
Protein change: p.Asp1547Tyr; replaces aspartic acid 1547 with tyrosine.
Molecular consequence: missense variant.
Genome position (GRCh38, 1-based): chr6:32,073,689, C>A on the plus strand (G>T on the coding strand, the complement: TNXB is on the minus strand). VCF-style: chr6-32073689-C-A. GRCh37 (hg19) VCF-style: chr6-32041466-C-A.
Other names: c.5380G>T, p.Asp1794Tyr (NM_001428335.1); c.4639G>T, p.Asp1547Tyr (NM_019105.8); short protein forms D1794Y, D1547Y.
Identifiers: ClinVar variation 4826804 (VCV004826804.1).